The following is an entry in ClinVar:

ClinVar aggregate classification (germline): Likely benign (1 of 4 stars; one submission).

Allele frequency attached by ClinVar (database versions not stated): gnomAD 0.00508 and 0.00541; TOPMed 0.00577; 1000 Genomes Project 0.00579; 1000 Genomes Project 30x 0.00640.
gnomAD v4.1: 764 of 152,294 alleles (0.5%); highest among the groups gnomAD compares: African/African-American, 1.7%; 8 homozygotes.

Submission:

GeneDx
Classification: Likely benign. Last evaluated: 2018-06-14. Review status: criteria provided, single submitter. Criteria: GeneDx Variant Classification (06012015). Collection method: clinical testing. Allele origin: germline. Affected: yes.
Comment: This variant is considered likely benign or benign based on one or more of the following criteria: it is a conservative change, it occurs at a poorly conserved position in the protein, it is predicted to be benign by multiple in silico algorithms, and/or has population frequency not consistent with disease.

NM_001375808.2(LPIN2):c.1710+218G>A

Gene: LPIN2 (lipin 2; minus strand). Cytogenetic location: 18p11.31.
Variant type: single nucleotide variant.
Coding change: c.1710+218G>A on transcript NM_001375808.2 (MANE Select); 218 bases into the intron after coding-DNA position 1710, G replaced by A.
Molecular consequence: intron variant.
Genome position (GRCh38, 1-based): chr18:2,927,504, C>T on the plus strand (G>A on the coding strand, the complement: LPIN2 is on the minus strand). VCF-style: chr18-2927504-C-T. GRCh37 (hg19) VCF-style: chr18-2927502-C-T.
Other names: c.1710+218G>A (NM_014646.2, NM_001375809.1).
Identifiers: ClinVar variation 679035 (VCV000679035.1), dbSNP rs112797038, ClinGen allele CA295496044.